The following is an entry in ClinVar:

NM_000059.4(BRCA2):c.5028T>A (p.Ser1676Arg)

Gene: BRCA2 (BRCA2 DNA repair associated; plus strand). Cytogenetic location: 13q13.1.
Variant type: single nucleotide variant.
Coding change: c.5028T>A on transcript NM_000059.4 (MANE Select); coding-DNA position 5028, T replaced by A.
Protein change: p.Ser1676Arg; replaces serine 1676 with arginine.
Molecular consequence: missense variant.
Genome position (GRCh38, 1-based): chr13:32,339,383, T>A. VCF-style: chr13-32339383-T-A. GRCh37 (hg19) VCF-style: chr13-32913520-T-A.
Other names: c.5028T>A (NM_000059.3); short protein forms S1676R.
Identifiers: ClinVar variation 1392867 (VCV001392867.9), dbSNP rs762458631, ClinGen allele CA6940842.

ClinVar aggregate classification (germline): Conflicting classifications of pathogenicity. Review status: criteria provided, conflicting classifications (1 of 4 stars). 4 submissions from 4 submitters: Uncertain significance (3); Likely benign (1). Last evaluated 2024-10-28.

Conditions:
Hereditary cancer-predisposing syndrome. Also called: Neoplastic Syndromes, Hereditary; Hereditary neoplastic syndrome; Tumor predisposition; Hereditary Cancer Syndrome. Identifiers: Orphanet 140162, MedGen C0027672, MeSH D009386, MONDO:0015356.
Breast and/or ovarian cancer. Identifiers: MedGen CN221562.
Hereditary breast ovarian cancer syndrome. Also called: BRCA1- and BRCA2-Associated Hereditary Breast and Ovarian Cancer; Hereditary breast and ovarian cancer syndrome (HBOC); Hereditary breast and ovarian cancer syndrome; Hereditary breast and ovarian cancer; Breast and ovarian cancer; Hereditary breast and/or ovarian cancer syndrome. Identifiers: Orphanet 145, MedGen C0677776, MeSH D061325, MONDO:0003582. Disease mechanism: loss of function.

Allele frequency attached by ClinVar (database versions not stated): TOPMed below 0.00001.
gnomAD v4.1: 1 of 1,595,500 alleles (0.000063%); no homozygotes.

Submissions (4):

Ambry Genetics
Classification: Uncertain significance for Hereditary cancer-predisposing syndrome. Last evaluated: 2024-10-28. Review status: criteria provided, single submitter. Criteria: Ambry Variant Classification Scheme 2023. Collection method: clinical testing. Allele origin: germline.
Comment: The p.S1676R variant (also known as c.5028T>A), located in coding exon 10 of the BRCA2 gene, results from a T to A substitution at nucleotide position 5028. The serine at codon 1676 is replaced by arginine, an amino acid with dissimilar properties. This amino acid position is poorly conserved in available vertebrate species. In addition, this alteration is predicted to be tolerated by in silico analysis. Based on the available evidence, the clinical significance of this variant remains unclear.

Labcorp Genetics (formerly Invitae), Labcorp
Classification: Uncertain significance for Hereditary breast ovarian cancer syndrome. Last evaluated: 2024-08-30. Review status: criteria provided, single submitter. Criteria: Invitae Variant Classification Sherloc (09022015). Collection method: clinical testing. Allele origin: germline.
Comment: This sequence change replaces serine, which is neutral and polar, with arginine, which is basic and polar, at codon 1676 of the BRCA2 protein (p.Ser1676Arg). This variant is present in population databases (rs762458631, gnomAD 0.0009%). This variant has not been reported in the literature in individuals affected with BRCA2-related conditions. ClinVar contains an entry for this variant (Variation ID: 1392867). Invitae Evidence Modeling of protein sequence and biophysical properties (such as structural, functional, and spatial information, amino acid conservation, physicochemical variation, residue mobility, and thermodynamic stability) indicates that this missense variant is not expected to disrupt BRCA2 protein function with a negative predictive value of 95%. In summary, the available evidence is currently insufficient to determine the role of this variant in disease. Therefore, it has been classified as a Variant of Uncertain Significance.

CHEO Genetics Diagnostic Laboratory, Children's Hospital of Eastern Ontario
Classification: Uncertain significance for Breast and/or ovarian cancer. Last evaluated: 2023-06-12. Review status: criteria provided, single submitter. Criteria: ACMG Guidelines, 2015. Collection method: clinical testing. Allele origin: germline.

University of Washington Department of Laboratory Medicine, University of Washington
Classification: Likely benign for Hereditary cancer-predisposing syndrome. Last evaluated: 2023-03-23. Review status: criteria provided, single submitter. Criteria: Dines et al. (Genet Med. 2020). Collection method: curation. Allele origin: germline.
Comment: Missense variant in a coldspot region where missense variants are very unlikely to be pathogenic (PMID:31911673).

BRCA2 exon 11 coldspot. Reclassification based on statistical prior probability.